The following is an entry in ClinVar:

NM_030962.4(SBF2):c.3877A>G (p.Lys1293Glu)

Gene: SBF2 (SET binding factor 2; minus strand). Cytogenetic location: 11p15.4.
Variant type: single nucleotide variant.
Coding change: c.3877A>G on transcript NM_030962.4 (MANE Select); coding-DNA position 3877, A replaced by G.
Protein change: p.Lys1293Glu; replaces lysine 1293 with glutamic acid.
Molecular consequence: missense variant.
Genome position (GRCh38, 1-based): chr11:9,816,941, T>C on the plus strand (A>G on the coding strand, the complement: SBF2 is on the minus strand). VCF-style: chr11-9816941-T-C. GRCh37 (hg19) VCF-style: chr11-9838488-T-C.
Other names: c.3973A>G, p.Lys1325Glu (NM_001386339.1); c.3748A>G, p.Lys1250Glu (NM_001386342.1); short protein forms K1293E, K1250E, K1325E.
Identifiers: ClinVar variation 476927 (VCV000476927.11), dbSNP rs200594508, ClinGen allele CA5881115.

ClinVar aggregate classification (germline): Uncertain significance. Review status: criteria provided, multiple submitters, no conflicts (2 of 4 stars). 3 submissions from 3 submitters: Uncertain significance (3). Last evaluated 2025-06-18.

Conditions:
Inborn genetic diseases. Identifiers: MedGen C0950123, MeSH D030342.
Charcot-Marie-Tooth disease type 4. Also called: Charcot-Marie-Tooth disease, type IV; Charcot-Marie-Tooth, Type 4. Identifiers: Orphanet 64749, MedGen C4082197, MONDO:0018995.

Allele frequency attached by ClinVar (database versions not stated): gnomAD 0.00006 and 0.00007; ExAC 0.00013; TOPMed 0.00010; gnomAD exomes 0.00009 and 0.00012.
gnomAD v4.1: 143 of 1,614,070 alleles (0.0089%); highest among the groups gnomAD compares: East Asian, 0.089%; no homozygotes.

Submissions (3):

GeneDx
Classification: Uncertain significance. Last evaluated: 2025-06-18. Review status: criteria provided, single submitter. Criteria: GeneDx Variant Classification Process June 2021. Collection method: clinical testing. Allele origin: germline. Affected: yes.
Comment: Reported previously in the heterozygous state in cohort of patients with infantile hydrocephalus; however, no further information was provided (PMID: 33914258); In silico analysis suggests that this missense variant does not alter protein structure/function; This variant is associated with the following publications: (PMID: 38439105, 33914258)

Labcorp Genetics (formerly Invitae), Labcorp
Classification: Uncertain significance for Charcot-Marie-Tooth disease type 4. Last evaluated: 2022-08-12. Review status: criteria provided, single submitter. Criteria: Invitae Variant Classification Sherloc (09022015). Collection method: clinical testing. Allele origin: germline.
Comment: This sequence change replaces lysine, which is basic and polar, with glutamic acid, which is acidic and polar, at codon 1293 of the SBF2 protein (p.Lys1293Glu). This variant is present in population databases (rs200594508, gnomAD 0.07%). This variant has not been reported in the literature in individuals affected with SBF2-related conditions. ClinVar contains an entry for this variant (Variation ID: 476927). Algorithms developed to predict the effect of missense changes on protein structure and function (SIFT, PolyPhen-2, Align-GVGD) all suggest that this variant is likely to be tolerated. In summary, the available evidence is currently insufficient to determine the role of this variant in disease. Therefore, it has been classified as a Variant of Uncertain Significance.

Ambry Genetics
Classification: Uncertain significance for Inborn genetic diseases. Last evaluated: 2020-11-06. Review status: criteria provided, single submitter. Criteria: Ambry Variant Classification Scheme 2023. Collection method: clinical testing. Allele origin: germline.
Comment: The p.K1293E variant (also known as c.3877A>G), located in coding exon 29 of the SBF2 gene, results from an A to G substitution at nucleotide position 3877. The lysine at codon 1293 is replaced by glutamic acid, an amino acid with similar properties. This amino acid position is well conserved in available vertebrate species. In addition, the in silico prediction for this alteration is inconclusive. Since supporting evidence is limited at this time, the clinical significance of this alteration remains unclear.